The following is an entry in ClinVar:

NM_001903.5(CTNNA1):c.10G>C (p.Val4Leu)

Gene: CTNNA1 (catenin alpha 1; plus strand). Cytogenetic location: 5q31.2.
Variant type: single nucleotide variant.
Coding change: c.10G>C on transcript NM_001903.5 (MANE Select); coding-DNA position 10, G replaced by C.
Protein change: p.Val4Leu; replaces valine 4 with leucine.
Molecular consequence: missense variant. On other transcripts: 5 prime UTR variant (2).
Genome position (GRCh38, 1-based): chr5:138,781,934, G>C. VCF-style: chr5-138781934-G-C. GRCh37 (hg19) VCF-style: chr5-138117623-G-C.
Other names: c.10G>C (NM_001903.2); c.10G>C, p.Val4Leu (NM_001290307.3, NM_001323982.2, NM_001323983.1 and 3 more transcripts); c.-104G>C (NM_001290309.3); c.-197G>C (NM_001290310.3); short protein forms V4L.
Identifiers: ClinVar variation 1467175 (VCV001467175.9), dbSNP rs1307799059, ClinGen allele CA361477036.

ClinVar aggregate classification (germline): Uncertain significance. Review status: criteria provided, multiple submitters, no conflicts (2 of 4 stars). 2 submissions from 2 submitters: Uncertain significance (2). Last evaluated 2025-08-10.

Conditions:
Hereditary cancer-predisposing syndrome. Also called: Tumor predisposition; Hereditary Cancer Syndrome; Hereditary neoplastic syndrome; Neoplastic Syndromes, Hereditary. Identifiers: Orphanet 140162, MedGen C0027672, MeSH D009386, MONDO:0015356.

Allele frequency attached by ClinVar (database versions not stated): gnomAD exomes below 0.00001.
gnomAD v4.1: 1 of 1,587,096 alleles (0.000063%); highest among the groups gnomAD compares: East Asian, 0.0022%; no homozygotes.

Submissions (2):

Labcorp Genetics (formerly Invitae), Labcorp
Classification: Uncertain significance. Last evaluated: 2025-08-10. Review status: criteria provided, single submitter. Criteria: Invitae Variant Classification Sherloc (09022015). Collection method: clinical testing. Allele origin: germline.
Comment: This sequence change replaces valine, which is neutral and non-polar, with leucine, which is neutral and non-polar, at codon 4 of the CTNNA1 protein (p.Val4Leu). The frequency data for this variant in the population databases is considered unreliable, as metrics indicate poor data quality at this position in the gnomAD database. This variant has not been reported in the literature in individuals affected with CTNNA1-related conditions. ClinVar contains an entry for this variant (Variation ID: 1467175). An algorithm developed to predict the effect of missense changes on protein structure and function (PolyPhen-2) suggests that this variant is likely to be tolerated. In summary, the available evidence is currently insufficient to determine the role of this variant in disease. Therefore, it has been classified as a Variant of Uncertain Significance.

Ambry Genetics
Classification: Uncertain significance for Hereditary cancer-predisposing syndrome. Last evaluated: 2023-06-29. Review status: criteria provided, single submitter. Criteria: Ambry Variant Classification Scheme 2023. Collection method: clinical testing. Allele origin: germline.
Comment: The p.V4L variant (also known as c.10G>C), located in coding exon 1 of the CTNNA1 gene, results from a G to C substitution at nucleotide position 10. The valine at codon 4 is replaced by leucine, an amino acid with highly similar properties. This amino acid position is well conserved in available vertebrate species. In addition, this alteration is predicted to be tolerated by in silico analysis. The evidence for this gene-disease relationship is limited; therefore, the clinical significance of this alteration is unclear.